The following is an entry in ClinVar:

NM_004360.5(CDH1):c.1752C>T (p.Ile584=)

Gene: CDH1 (cadherin 1; plus strand). Cytogenetic location: 16q22.1.
Variant type: single nucleotide variant.
Coding change: c.1752C>T on transcript NM_004360.5 (MANE Select); coding-DNA position 1752, C replaced by T.
Protein change: p.Ile584=; no amino-acid change (isoleucine 584 retained).
Molecular consequence: synonymous variant. On other transcripts: 5 prime UTR variant (1).
Genome position (GRCh38, 1-based): chr16:68,822,041, C>T. VCF-style: chr16-68822041-C-T. GRCh37 (hg19) VCF-style: chr16-68855944-C-T.
Other names: c.1569C>T, p.Ile523= (NM_001317184.2); c.204C>T, p.Ile68= (NM_001317185.2); c.-214C>T (NM_001317186.2).
Identifiers: ClinVar variation 3378764 (VCV003378764.1).

ClinVar aggregate classification (germline): Benign (1 of 4 stars; one submission).

Conditions:
Hereditary diffuse gastric adenocarcinoma (HDGC). Also called: DIFFUSE GASTRIC AND LOBULAR BREAST CANCER SYNDROME. Identifiers: Orphanet 26106, MedGen C1708349, MONDO:0007648, OMIM 137215.

gnomAD v4.1: 1 of 1,614,152 alleles (0.000062%); highest among the groups gnomAD compares: Non-Finnish European, 0.000085%; no homozygotes.

Submission:

Myriad Genetics, Inc.
Classification: Benign for Hereditary diffuse gastric adenocarcinoma. Last evaluated: 2024-09-19. Review status: criteria provided, single submitter. Criteria: Myriad Autosomal Dominant, Autosomal Recessive and X-Linked Classification Criteria (2023). Collection method: clinical testing. Allele origin: unknown.
Comment: This variant is considered benign. This variant is a silent/synonymous amino acid change and it is not expected to impact splicing.